The following is an entry in ClinVar:

ClinVar aggregate classification (germline): Uncertain significance (1 of 4 stars; one submission).

Conditions:
Epidermolysis bullosa simplex 3, localized or generalized intermediate, with BP230 deficiency (EBS3). Also called: Epidermolysis bullosa simplex due to BP230 deficiency; Epidermolysis bullosa simplex, autosomal recessive 2. Identifiers: Orphanet 412181, MedGen C3809470, MONDO:0014180, OMIM 615425.
Hereditary sensory and autonomic neuropathy type 6. Also called: HSAN VI; Neuropathy, hereditary sensory and autonomic, type VI. Identifiers: Orphanet 314381, MedGen C3539003, MONDO:0013839, OMIM 614653.

Allele frequency attached by ClinVar (database versions not stated): gnomAD exomes below 0.00001.
gnomAD v4.1: 2 of 1,614,176 alleles (0.00012%); highest among the groups gnomAD compares: Admixed American, 0.0017%; no homozygotes.

Submission:

Labcorp Genetics (formerly Invitae), Labcorp
Classification: Uncertain significance for Epidermolysis bullosa simplex 3, localized or generalized intermediate, with BP230 deficiency; Hereditary sensory and autonomic neuropathy type 6. Last evaluated: 2018-06-20. Review status: criteria provided, single submitter. Criteria: Invitae Variant Classification Sherloc (09022015). Collection method: clinical testing. Allele origin: germline.
Comment: This sequence change replaces tyrosine with cysteine at codon 2614 of the DST protein (p.Tyr2614Cys). The tyrosine residue is highly conserved and there is a large physicochemical difference between tyrosine and cysteine. Algorithms developed to predict the effect of missense changes on protein structure and function (SIFT, PolyPhen-2, Align-GVGD) all suggest that this variant is likely to be disruptive, but these predictions have not been confirmed by published functional studies and their clinical significance is uncertain. In summary, the available evidence is currently insufficient to determine the role of this variant in disease. Therefore, it has been classified as a Variant of Uncertain Significance. This variant is not present in population databases (ExAC no frequency). This variant has not been reported in the literature in individuals with DST-related disease.

NM_001723.7(DST):c.7841A>G (p.Tyr2614Cys)

Gene: DST (dystonin; minus strand). Cytogenetic location: 6p12.1.
Variant type: single nucleotide variant.
Coding change: c.7841A>G on transcript NM_001723.7 (MANE Plus Clinical); coding-DNA position 7841, A replaced by G.
Protein change: p.Tyr2614Cys; replaces tyrosine 2614 with cysteine.
Molecular consequence: missense variant. On other transcripts: intron variant (10).
Genome position (GRCh38, 1-based): chr6:56,615,626, T>C on the plus strand (A>G on the coding strand, the complement: DST is on the minus strand). VCF-style: chr6-56615626-T-C. GRCh37 (hg19) VCF-style: chr6-56480424-T-C.
Other names: c.4831-1142A>G (NM_001144769.5); c.4930-1142A>G (NM_001374722.1, NM_001374736.1); c.4957-1142A>G (NM_001374734.1); c.4417-1142A>G (NM_001144770.2); c.4297-1142A>G (NM_001374730.1, NM_001386100.1, NM_183380.4 and 1 more transcripts); c.3319-1142A>G (NM_015548.5); short protein forms Y2614C.
Identifiers: ClinVar variation 582651 (VCV000582651.9), dbSNP rs1318957119, ClinGen allele CA364562128.